The following is an entry in ClinVar:

NM_004333.6(BRAF):c.1858A>T (p.Met620Leu)

Gene: BRAF (B-Raf proto-oncogene, serine/threonine kinase; minus strand). Cytogenetic location: 7q34.
Variant type: single nucleotide variant.
Coding change: c.1858A>T on transcript NM_004333.6 (MANE Select); coding-DNA position 1858, A replaced by T.
Protein change: p.Met620Leu; replaces methionine 620 with leucine.
Molecular consequence: missense variant.
Genome position (GRCh38, 1-based): chr7:140,753,277, T>A on the plus strand (A>T on the coding strand, the complement: BRAF is on the minus strand). VCF-style: chr7-140753277-T-A. GRCh37 (hg19) VCF-style: chr7-140453077-T-A.
Other names: c.1858A>T, p.Met620Leu (NM_001354609.2, NM_001378468.1, NM_001378474.1); c.1978A>T, p.Met660Leu (NM_001374244.1, NM_001374258.1); c.1867A>T, p.Met623Leu (NM_001378467.1); c.1792A>T, p.Met598Leu (NM_001378469.1); c.1756A>T, p.Met586Leu (NM_001378470.1); c.1747A>T, p.Met583Leu (NM_001378471.1); c.1702A>T, p.Met568Leu (NM_001378472.1, NM_001378473.1); c.1594A>T, p.Met532Leu (NM_001378475.1); short protein forms M660L, M532L, M583L, M586L, M623L, M568L, M598L, M620L.
Identifiers: ClinVar variation 4726101 (VCV004726101.1).

ClinVar aggregate classification (germline): Uncertain significance (1 of 4 stars; one submission).

Conditions:
RASopathy. Also called: rasopathies; Noonan spectrum disorder. Identifiers: Orphanet 536391, MedGen C5555857, MONDO:0021060.

Submission:

Labcorp Genetics (formerly Invitae), Labcorp
Classification: Uncertain significance for RASopathy. Last evaluated: 2025-10-13. Review status: criteria provided, single submitter. Criteria: Invitae Variant Classification Sherloc (09022015). Collection method: clinical testing. Allele origin: germline.
Comment: This sequence change replaces methionine, which is neutral and non-polar, with leucine, which is neutral and non-polar, at codon 620 of the BRAF protein (p.Met620Leu). This variant is not present in population databases (gnomAD no frequency). This variant has not been reported in the literature in individuals affected with BRAF-related conditions. An algorithm developed to predict the effect of missense changes on protein structure and function (PolyPhen-2) suggests that this variant is likely to be tolerated. Algorithms developed to predict the effect of sequence changes on RNA splicing suggest that this variant may disrupt the consensus splice site. In summary, the available evidence is currently insufficient to determine the role of this variant in disease. Therefore, it has been classified as a Variant of Uncertain Significance.